The following is an entry in ClinVar:

ClinVar aggregate classification (germline): Likely pathogenic (1 of 4 stars; one submission).

Conditions:
Long QT syndrome (LQTS). Identifiers: MedGen C0023976, MeSH D008133, MONDO:0002442. Disease mechanism: loss of function. Inheritance: Various modes of inheritance.

Submission:

Labcorp Genetics (formerly Invitae), Labcorp
Classification: Likely pathogenic for Long QT syndrome. Last evaluated: 2022-11-01. Review status: criteria provided, single submitter. Criteria: Invitae Variant Classification Sherloc (09022015). Collection method: clinical testing. Allele origin: germline.
Comment: This sequence change affects an acceptor splice site in intron 4 of the KCNH2 gene. It is expected to disrupt RNA splicing. Variants that disrupt the donor or acceptor splice site typically lead to a loss of protein function (PMID: 16199547), and loss-of-function variants in KCNH2 are known to be pathogenic (PMID: 10973849, 19862833). In summary, the currently available evidence indicates that the variant is pathogenic, but additional data are needed to prove that conclusively. Therefore, this variant has been classified as Likely Pathogenic. Algorithms developed to predict the effect of sequence changes on RNA splicing suggest that this variant may disrupt the consensus splice site. ClinVar contains an entry for this variant (Variation ID: 1488212). This variant has not been reported in the literature in individuals affected with KCNH2-related conditions. This variant is not present in population databases (gnomAD no frequency).

Literature cited by the submitters: PubMed 16199547; PubMed 10973849; PubMed 19862833.

NM_000238.4(KCNH2):c.917-2A>G

Gene: KCNH2 (potassium voltage-gated channel subfamily H member 2; minus strand). Cytogenetic location: 7q36.1.
Variant type: single nucleotide variant.
Coding change: c.917-2A>G on transcript NM_000238.4 (MANE Select); the canonical splice acceptor site of the intron before coding-DNA position 917, A replaced by G.
Molecular consequence: splice acceptor variant.
Genome position (GRCh38, 1-based): chr7:150,957,504, T>C on the plus strand (A>G on the coding strand, the complement: KCNH2 is on the minus strand). VCF-style: chr7-150957504-T-C. GRCh37 (hg19) VCF-style: chr7-150654592-T-C.
Other names: c.629-2A>G (NM_001406753.1, NM_001406756.1); c.917-2A>G (NM_172056.3); c.740-2A>G (NM_001406755.1); c.617-2A>G (NM_001406757.1).
Identifiers: ClinVar variation 1488212 (VCV001488212.7), dbSNP rs2116999316, ClinGen allele CA369861979.